The following is an entry in ClinVar:

NM_003906.5(MCM3AP):c.556C>T (p.Pro186Ser)

Gene: MCM3AP (minichromosome maintenance complex component 3 associated protein; minus strand). Cytogenetic location: 21q22.3.
Variant type: single nucleotide variant.
Coding change: c.556C>T on transcript NM_003906.5 (MANE Select); coding-DNA position 556, C replaced by T.
Protein change: p.Pro186Ser; replaces proline 186 with serine.
Molecular consequence: missense variant.
Genome position (GRCh38, 1-based): chr21:46,284,731, G>A on the plus strand (C>T on the coding strand, the complement: MCM3AP is on the minus strand). VCF-style: chr21-46284731-G-A. GRCh37 (hg19) VCF-style: chr21-47704645-G-A.
Other names: short protein forms P186S.
Identifiers: ClinVar variation 4756045 (VCV004756045.1).
Genomic context (GRCh38, chr21:46,284,731, plus strand): 5'-TTGAAGTGGTAGCTGAACTACTTGTTACTTGAGGAAAAGAGAAAGGGGCCAGGCCTCCAG[G>A]TGCACTACTAATTGGGTGGGAAAATGTAAAAAACCCAGAAGCAATTTGGCTCTGGGTTTT-3'
Protein context (NP_003897.2, residues 176-196): FTFSHPISSA[Pro186Ser]GGLAPFSFPQ

ClinVar aggregate classification (germline): Uncertain significance (1 of 4 stars; one submission).

gnomAD v4.1: 7 of 1,614,060 alleles (0.00043%); highest among the groups gnomAD compares: South Asian, 0.0066%; no homozygotes.

Submission:

GeneDx
Classification: Uncertain significance. Last evaluated: 2025-08-05. Review status: criteria provided, single submitter. Criteria: GeneDx Variant Classification Process June 2021. Collection method: clinical testing. Allele origin: germline. Affected: yes.
Comment: Not observed at significant frequency in large population cohorts (gnomAD); In silico analysis suggests that this missense variant does not alter protein structure/function; Has not been previously published as pathogenic or benign to our knowledge